The following is an entry in ClinVar:

ClinVar aggregate classification (germline): Uncertain significance. Review status: criteria provided, multiple submitters, no conflicts (2 of 4 stars). 5 submissions from 5 submitters: Uncertain significance (4). 1 of the submissions does not count toward it. Last evaluated 2025-04-14.

Conditions:
Joubert syndrome 7 (JBTS7). Identifiers: Orphanet 220497, MedGen C1969053, MONDO:0012694, OMIM 611560.
Meckel syndrome, type 5 (MKS5). Identifiers: Orphanet 564, MedGen C1969052, MONDO:0012695, OMIM 611561.
COACH syndrome 3. Identifiers: MedGen C5436841, MONDO:0030862, OMIM 619113.
RPGRIP1L-related disorder. Also called: RPGRIP1L-related condition; RPGRIP1L-related disorders. Identifiers: MedGen CN239416.
Meckel-Gruber syndrome. Also called: GRUBER SYNDROME; Dysencephalia splachnocystica; DYSENCEPHALIA SPLANCHNOCYSTICA. Identifiers: Orphanet 564, MedGen C0265215, MONDO:0018921.
Joubert syndrome. Also called: Familial aplasia of the vermis; JOUBERT-BOLTSHAUSER SYNDROME. Identifiers: Orphanet 475, MedGen C5979921, MONDO:0018772.

Allele frequency attached by ClinVar (database versions not stated): gnomAD 0.00002 and 0.00004; TOPMed 0.00002; gnomAD exomes 0.00005 and 0.00011; ESP Exome Variant Server 0.00008; ExAC 0.00016.
gnomAD v4.1: 84 of 1,612,908 alleles (0.0052%); highest among the groups gnomAD compares: South Asian, 0.059%; 1 homozygote.

Submissions (5):

PreventionGenetics, part of Exact Sciences
Classification: Uncertain significance for RPGRIP1L-related condition. Last evaluated: 2025-04-14. Review status: criteria provided, single submitter. Criteria: ACMG Guidelines, 2015. Collection method: clinical testing. Allele origin: germline.
Comment: The RPGRIP1L c.1604G>A variant is predicted to result in the amino acid substitution p.Arg535His. To our knowledge, this variant has not been reported in the literature. This variant is reported in 0.075% of alleles in individuals of South Asian descent in gnomAD. At this time, the clinical significance of this variant is uncertain due to the absence of conclusive functional and genetic evidence.

Fulgent Genetics
Classification: Uncertain significance for Joubert syndrome 7; Meckel syndrome, type 5; COACH syndrome 3. Last evaluated: 2024-05-06. Review status: criteria provided, single submitter. Criteria: ACMG Guidelines, 2015. Collection method: clinical testing. Allele origin: germline.

Revvity Omics, Revvity
Classification: Uncertain significance. Last evaluated: 2024-04-18. Review status: criteria provided, single submitter. Criteria: ACMG Guidelines, 2015. Collection method: clinical testing. Allele origin: germline.

Labcorp Genetics (formerly Invitae), Labcorp
Classification: Uncertain significance for Joubert syndrome; Meckel-Gruber syndrome. Last evaluated: 2022-10-03. Review status: criteria provided, single submitter. Criteria: Invitae Variant Classification Sherloc (09022015). Collection method: clinical testing. Allele origin: germline.
Comment: This sequence change replaces arginine, which is basic and polar, with histidine, which is basic and polar, at codon 535 of the RPGRIP1L protein (p.Arg535His). This variant is present in population databases (rs371028848, gnomAD 0.07%). This variant has not been reported in the literature in individuals affected with RPGRIP1L-related conditions. ClinVar contains an entry for this variant (Variation ID: 992033). Advanced modeling of protein sequence and biophysical properties (such as structural, functional, and spatial information, amino acid conservation, physicochemical variation, residue mobility, and thermodynamic stability) performed at Invitae indicates that this missense variant is not expected to disrupt RPGRIP1L protein function. In summary, the available evidence is currently insufficient to determine the role of this variant in disease. Therefore, it has been classified as a Variant of Uncertain Significance.

Natera, Inc.
Classification: Uncertain significance for Joubert syndrome. Last evaluated: 2020-04-24. Review status: no assertion criteria provided. Collection method: clinical testing. Allele origin: germline. Not counted in ClinVar's aggregate classification.

NM_015272.5(RPGRIP1L):c.1604G>A (p.Arg535His)

Gene: RPGRIP1L (RPGRIP1 like; minus strand). Cytogenetic location: 16q12.2.
Variant type: single nucleotide variant.
Coding change: c.1604G>A on transcript NM_015272.5 (MANE Select); coding-DNA position 1604, G replaced by A.
Protein change: p.Arg535His; replaces arginine 535 with histidine.
Molecular consequence: missense variant.
Genome position (GRCh38, 1-based): chr16:53,656,567, C>T on the plus strand (G>A on the coding strand, the complement: RPGRIP1L is on the minus strand). VCF-style: chr16-53656567-C-T. GRCh37 (hg19) VCF-style: chr16-53690479-C-T.
Other names: c.1604G>A, p.Arg535His (NM_001127897.4, NM_001308334.3, NM_001330538.2); c.1604G>A (NM_015272.4); short protein forms R535H.
Identifiers: ClinVar variation 992033 (VCV000992033.8), dbSNP rs371028848, ClinGen allele CA8057753.